The following is an entry in ClinVar:

ClinVar aggregate classification (germline): Uncertain significance. Review status: criteria provided, multiple submitters, no conflicts (2 of 4 stars). 2 submissions from 2 submitters: Uncertain significance (2). Last evaluated 2022-10-13.

Conditions:
Hereditary cancer-predisposing syndrome. Also called: Tumor predisposition; Neoplastic Syndromes, Hereditary; Hereditary neoplastic syndrome; Hereditary Cancer Syndrome. Identifiers: Orphanet 140162, MedGen C0027672, MeSH D009386, MONDO:0015356.
Hereditary breast ovarian cancer syndrome. Also called: BRCA1- and BRCA2-Associated Hereditary Breast and Ovarian Cancer; Hereditary breast and/or ovarian cancer syndrome; Hereditary breast and ovarian cancer syndrome; Hereditary breast and ovarian cancer; Hereditary breast and ovarian cancer syndrome (HBOC); Breast and ovarian cancer. Identifiers: Orphanet 145, MedGen C0677776, MeSH D061325, MONDO:0003582. Disease mechanism: loss of function.

Submissions (2):

Ambry Genetics
Classification: Uncertain significance for Hereditary cancer-predisposing syndrome. Last evaluated: 2022-10-13. Review status: criteria provided, single submitter. Criteria: Ambry Variant Classification Scheme 2023. Collection method: clinical testing. Allele origin: germline.
Comment: The p.S2976N variant (also known as c.8927G>A), located in coding exon 21 of the BRCA2 gene, results from a G to A substitution at nucleotide position 8927. The serine at codon 2976 is replaced by asparagine, an amino acid with highly similar properties. This amino acid position is not well conserved in available vertebrate species. In addition, this alteration is predicted to be tolerated by in silico analysis. Since supporting evidence is limited at this time, the clinical significance of this alteration remains unclear.

Labcorp Genetics (formerly Invitae), Labcorp
Classification: Uncertain significance for Hereditary breast ovarian cancer syndrome. Last evaluated: 2020-08-20. Review status: criteria provided, single submitter. Criteria: Invitae Variant Classification Sherloc (09022015). Collection method: clinical testing. Allele origin: germline.
Comment: This variant is not present in population databases (ExAC no frequency). Advanced modeling of protein sequence and biophysical properties (such as structural, functional, and spatial information, amino acid conservation, physicochemical variation, residue mobility, and thermodynamic stability) performed at Invitae indicates that this missense variant is not expected to disrupt BRCA2 protein function. This variant has not been reported in the literature in individuals with BRCA2-related conditions. This sequence change replaces serine with asparagine at codon 2976 of the BRCA2 protein (p.Ser2976Asn). The serine residue is weakly conserved and there is a small physicochemical difference between serine and asparagine. In summary, the available evidence is currently insufficient to determine the role of this variant in disease. Therefore, it has been classified as a Variant of Uncertain Significance.

NM_000059.4(BRCA2):c.8927G>A (p.Ser2976Asn)

Gene: BRCA2 (BRCA2 DNA repair associated; plus strand). Cytogenetic location: 13q13.1.
Variant type: single nucleotide variant.
Coding change: c.8927G>A on transcript NM_000059.4 (MANE Select); coding-DNA position 8927, G replaced by A.
Protein change: p.Ser2976Asn; replaces serine 2976 with asparagine.
Molecular consequence: missense variant.
Genome position (GRCh38, 1-based): chr13:32,379,489, G>A. VCF-style: chr13-32379489-G-A. GRCh37 (hg19) VCF-style: chr13-32953626-G-A.
Other names: short protein forms S2976N.
Identifiers: ClinVar variation 1017933 (VCV001017933.11), dbSNP rs1593936936, ClinGen allele CA387757295.